The following is an entry in ClinVar:

ClinVar aggregate classification (germline): Uncertain significance. Review status: criteria provided, multiple submitters, no conflicts (2 of 4 stars). 2 submissions from 2 submitters: Uncertain significance (2). Last evaluated 2023-06-14.

Conditions:
Hereditary cancer-predisposing syndrome. Also called: Neoplastic Syndromes, Hereditary; Tumor predisposition; Hereditary Cancer Syndrome; Hereditary neoplastic syndrome. Identifiers: Orphanet 140162, MedGen C0027672, MeSH D009386, MONDO:0015356.
Neuroblastoma, susceptibility to, 3. Also called: ALK-Related Neuroblastic Tumor Susceptibility. Identifiers: Orphanet 635, MedGen C2751681, MONDO:0013083, OMIM 613014.

Allele frequency attached by ClinVar (database versions not stated): gnomAD exomes 0.00001.
gnomAD v4.1: 10 of 1,614,228 alleles (0.00062%); highest among the groups gnomAD compares: Non-Finnish European, 0.00085%; no homozygotes.

Submissions (2):

Labcorp Genetics (formerly Invitae), Labcorp
Classification: Uncertain significance for Neuroblastoma, susceptibility to, 3. Last evaluated: 2023-06-14. Review status: criteria provided, single submitter. Criteria: Invitae Variant Classification Sherloc (09022015). Collection method: clinical testing. Allele origin: germline.
Comment: This sequence change replaces cysteine, which is neutral and slightly polar, with phenylalanine, which is neutral and non-polar, at codon 1006 of the ALK protein (p.Cys1006Phe). This variant is not present in population databases (gnomAD no frequency). This variant has not been reported in the literature in individuals affected with ALK-related conditions. ClinVar contains an entry for this variant (Variation ID: 538200). An algorithm developed to predict the effect of missense changes on protein structure and function (PolyPhen-2) suggests that this variant is likely to be tolerated. In summary, the available evidence is currently insufficient to determine the role of this variant in disease. Therefore, it has been classified as a Variant of Uncertain Significance.

Ambry Genetics
Classification: Uncertain significance for Hereditary cancer-predisposing syndrome. Last evaluated: 2022-03-31. Review status: criteria provided, single submitter. Criteria: Ambry Variant Classification Scheme 2023. Collection method: clinical testing. Allele origin: germline.
Comment: The p.C1006F variant (also known as c.3017G>T), located in coding exon 18 of the ALK gene, results from a G to T substitution at nucleotide position 3017. The cysteine at codon 1006 is replaced by phenylalanine, an amino acid with highly dissimilar properties. This amino acid position is conserved. In addition, this alteration is predicted to be deleterious by in silico analysis. Since supporting evidence is limited at this time, the clinical significance of this alteration remains unclear.

NM_004304.5(ALK):c.3017G>T (p.Cys1006Phe)

Gene: ALK (ALK receptor tyrosine kinase; minus strand). Cytogenetic location: 2p23.2.
Variant type: single nucleotide variant.
Coding change: c.3017G>T on transcript NM_004304.5 (MANE Select); coding-DNA position 3017, G replaced by T.
Protein change: p.Cys1006Phe; replaces cysteine 1006 with phenylalanine.
Molecular consequence: missense variant.
Genome position (GRCh38, 1-based): chr2:29,226,972, C>A on the plus strand (G>T on the coding strand, the complement: ALK is on the minus strand). VCF-style: chr2-29226972-C-A. GRCh37 (hg19) VCF-style: chr2-29449838-C-A.
Other names: short protein forms C1006F.
Identifiers: ClinVar variation 538200 (VCV000538200.11), dbSNP rs1553395221, ClinGen allele CA346467630.